The following is an entry in ClinVar:

ClinVar aggregate classification (germline): Uncertain significance. Review status: criteria provided, multiple submitters, no conflicts (2 of 4 stars). 2 submissions from 2 submitters: Uncertain significance (2). Last evaluated 2024-11-14.

Conditions:
Inborn genetic diseases. Identifiers: MedGen C0950123, MeSH D030342.

Allele frequency attached by ClinVar (database versions not stated): ExAC 0.00001; gnomAD 0.00003 and 0.00004; TOPMed 0.00006.
gnomAD v4.1: 74 of 1,614,056 alleles (0.0046%); highest among the groups gnomAD compares: Middle Eastern, 0.016%; no homozygotes.

Submissions (2):

Ambry Genetics
Classification: Uncertain significance for Inborn genetic diseases. Last evaluated: 2024-11-14. Review status: criteria provided, single submitter. Criteria: Ambry Variant Classification Scheme 2023. Collection method: clinical testing. Allele origin: germline.

Labcorp Genetics (formerly Invitae), Labcorp
Classification: Uncertain significance. Last evaluated: 2021-12-02. Review status: criteria provided, single submitter. Criteria: Invitae Variant Classification Sherloc (09022015). Collection method: clinical testing. Allele origin: germline.
Comment: In summary, the available evidence is currently insufficient to determine the role of this variant in disease. Therefore, it has been classified as a Variant of Uncertain Significance. Algorithms developed to predict the effect of missense changes on protein structure and function are either unavailable or do not agree on the potential impact of this missense change (SIFT: "Deleterious"; PolyPhen-2: "Benign"; Align-GVGD: "Class C0"). This variant has not been reported in the literature in individuals affected with HEPACAM-related conditions. This variant is present in population databases (rs770133218, gnomAD 0.009%). This sequence change replaces arginine, which is basic and polar, with histidine, which is basic and polar, at codon 227 of the HEPACAM protein (p.Arg227His).

NM_152722.5(HEPACAM):c.680G>A (p.Arg227His)

Gene: HEPACAM (hepatic and glial cell adhesion molecule; minus strand). Cytogenetic location: 11q24.2.
Variant type: single nucleotide variant.
Coding change: c.680G>A on transcript NM_152722.5 (MANE Select); coding-DNA position 680, G replaced by A.
Protein change: p.Arg227His; replaces arginine 227 with histidine.
Molecular consequence: missense variant.
Genome position (GRCh38, 1-based): chr11:124,923,758, C>T on the plus strand (G>A on the coding strand, the complement: HEPACAM is on the minus strand). VCF-style: chr11-124923758-C-T. GRCh37 (hg19) VCF-style: chr11-124793654-C-T.
Other names: c.680G>A (NM_152722.4); short protein forms R227H.
Identifiers: ClinVar variation 1398553 (VCV001398553.8), dbSNP rs770133218, ClinGen allele CA6345690.